The following is an entry in ClinVar:

NM_001145860.2(POP1):c.74G>A (p.Gly25Asp)

Gene: POP1 (POP1 ribonuclease P/MRP subunit; plus strand). Cytogenetic location: 8q22.2.
Variant type: single nucleotide variant.
Coding change: c.74G>A on transcript NM_001145860.2 (MANE Select); coding-DNA position 74, G replaced by A.
Protein change: p.Gly25Asp; replaces glycine 25 with aspartic acid.
Molecular consequence: missense variant.
Genome position (GRCh38, 1-based): chr8:98,123,411, G>A. VCF-style: chr8-98123411-G-A. GRCh37 (hg19) VCF-style: chr8-99135639-G-A.
Other names: c.74G>A, p.Gly25Asp (NM_001145861.2, NM_015029.3); c.74G>A (NM_015029.2); short protein forms G25D.
Identifiers: ClinVar variation 1519057 (VCV001519057.9), dbSNP rs61743394, ClinGen allele CA4820223.

ClinVar aggregate classification (germline): Conflicting classifications of pathogenicity. Review status: criteria provided, conflicting classifications (1 of 4 stars). 5 submissions from 5 submitters: Uncertain significance (2); Likely benign (2). 1 of the submissions does not count toward it. Last evaluated 2024-11-08.

Conditions:
POP1-related disorder. Also called: POP1-related condition.
Inborn genetic diseases. Identifiers: MedGen C0950123, MeSH D030342.

Allele frequency attached by ClinVar (database versions not stated): 1000 Genomes Project 30x 0.00016; 1000 Genomes Project 0.00020; gnomAD 0.00061 and 0.00068; ESP Exome Variant Server 0.00062; TOPMed 0.00072.

Submissions (5):

Blueprint Genetics
Classification: Likely benign. Last evaluated: 2024-11-08. Review status: criteria provided, single submitter. Criteria: ACMG Guidelines, 2015. Collection method: clinical testing. Allele origin: germline.

Labcorp Genetics (formerly Invitae), Labcorp
Classification: Uncertain significance. Last evaluated: 2024-01-08. Review status: criteria provided, single submitter. Criteria: Invitae Variant Classification Sherloc (09022015). Collection method: clinical testing. Allele origin: germline.
Comment: This sequence change replaces glycine, which is neutral and non-polar, with aspartic acid, which is acidic and polar, at codon 25 of the POP1 protein (p.Gly25Asp). This variant is present in population databases (rs61743394, gnomAD 0.2%), and has an allele count higher than expected for a pathogenic variant. This variant has not been reported in the literature in individuals affected with POP1-related conditions. ClinVar contains an entry for this variant (Variation ID: 1519057). An algorithm developed to predict the effect of missense changes on protein structure and function (PolyPhen-2) suggests that this variant¬†is likely to be tolerated. In summary, the available evidence is currently insufficient to determine the role of this variant in disease. Therefore, it has been classified as a Variant of Uncertain Significance.

Ambry Genetics
Classification: Likely benign for Inborn genetic diseases. Last evaluated: 2021-12-19. Review status: criteria provided, single submitter. Criteria: Ambry Variant Classification Scheme 2023. Collection method: clinical testing. Allele origin: germline.

Breakthrough Genomics
Classification: Uncertain significance. Review status: criteria provided, single submitter. Criteria: ACMG Guidelines, 2015. Collection method: not provided. Allele origin: germline. Inheritance: Autosomal recessive inheritance. Affected: yes.

PreventionGenetics, part of Exact Sciences
Classification: Likely benign for POP1-related condition. Last evaluated: 2022-04-08. Review status: no assertion criteria provided. Collection method: clinical testing. Allele origin: germline. Not counted in ClinVar's aggregate classification.
Comment: This variant is classified as likely benign based on ACMG/AMP sequence variant interpretation guidelines (Richards et al. 2015 PMID: 25741868, with internal and published modifications).